The following is an entry in ClinVar:

NM_006030.4(CACNA2D2):c.3147G>A (p.Val1049=)

Genes: CACNA2D2 (calcium voltage-gated channel auxiliary subunit alpha2delta 2; minus strand), LOC127898564 (CYB561D2-LOC101928965; plus strand). Cytogenetic location: 3p21.31.
Variant type: single nucleotide variant.
Coding change: c.3147G>A on transcript NM_006030.4 (MANE Select); coding-DNA position 3147, G replaced by A.
Protein change: p.Val1049=; no amino-acid change (valine 1049 retained).
Molecular consequence: synonymous variant.
Genome position (GRCh38, 1-based): chr3:50,365,136, C>T on the plus strand (G>A on the coding strand, the complement: CACNA2D2 is on the minus strand). VCF-style: chr3-50365136-C-T. GRCh37 (hg19) VCF-style: chr3-50402567-C-T.
Other names: c.3147G>A, p.Val1049= (NM_001005505.3); c.3168G>A, p.Val1056= (NM_001174051.3); c.2940G>A, p.Val980= (NM_001291101.1).
Identifiers: ClinVar variation 846251 (VCV000846251.8), dbSNP rs750675114, ClinGen allele CA2418202.
Genomic context (GRCh38, chr3:50,365,136, plus strand): 5'-GTGCGTCTCCTTCTGCAGCAGCCGGCCAGCCTCGCACTGGCTGCACAGCGGCTTCTCGGC[C>T]ACCACAAAGAGAAGATTGGTGTTGGTCAGTCTCTGCGCGTGGAACAGCCTGCGGGCAGCC-3'
Protein context (NP_006021.2, residues 1039-1059): RLTNTNLLFV[Val1049=]AEKPLCSQCE

ClinVar aggregate classification (germline): Uncertain significance (1 of 4 stars; one submission).

Conditions:
Early-infantile DEE. Also called: Ohtahara syndrome; Early infantile epileptic encephalopathy with suppression bursts; Early infantile epileptic encephalopathy. Identifiers: Orphanet 1934, MedGen C0393706, MONDO:0800491.

Allele frequency attached by ClinVar (database versions not stated): gnomAD exomes below 0.00001; ExAC 0.00001.
gnomAD v4.1: 2 of 1,612,172 alleles (0.00012%); highest among the groups gnomAD compares: Non-Finnish European, 0.00017%; no homozygotes.

Submission:

Labcorp Genetics (formerly Invitae), Labcorp
Classification: Uncertain significance for Early-infantile DEE. Last evaluated: 2022-08-31. Review status: criteria provided, single submitter. Criteria: Invitae Variant Classification Sherloc (09022015). Collection method: clinical testing. Allele origin: germline.
Comment: In summary, the available evidence is currently insufficient to determine the role of this variant in disease. Therefore, it has been classified as a Variant of Uncertain Significance. Algorithms developed to predict the effect of sequence changes on RNA splicing suggest that this variant may disrupt the consensus splice site. ClinVar contains an entry for this variant (Variation ID: 846251). This variant has not been reported in the literature in individuals affected with CACNA2D2-related conditions. This variant is present in population databases (rs750675114, gnomAD 0.0009%). This sequence change affects codon 1049 of the CACNA2D2 mRNA. It is a 'silent' change, meaning that it does not change the encoded amino acid sequence of the CACNA2D2 protein.